The following is an entry in ClinVar:

ClinVar aggregate classification (germline): Likely pathogenic (1 of 4 stars; one submission).

Conditions:
Developmental and epileptic encephalopathy, 34 (DEE34). Also called: SLC12A5-Related Epilepsy of Infancy with Migrating Focal Seizures; Early infantile epileptic encephalopathy 34. Identifiers: Orphanet 293181, MedGen C4225257, MONDO:0014718, OMIM 616645.

Submission:

Labcorp Genetics (formerly Invitae), Labcorp
Classification: Likely pathogenic for Developmental and epileptic encephalopathy, 34. Last evaluated: 2023-10-10. Review status: criteria provided, single submitter. Criteria: Invitae Variant Classification Sherloc (09022015). Collection method: clinical testing. Allele origin: germline.
Comment: This sequence change affects an acceptor splice site in intron 10 of the SLC12A5 gene. It is expected to disrupt RNA splicing. Variants that disrupt the donor or acceptor splice site typically lead to a loss of protein function (PMID: 16199547), and loss-of-function variants in SLC12A5 are known to be pathogenic (PMID: 26333769, 27436767). This variant is not present in population databases (gnomAD no frequency). This variant has not been reported in the literature in individuals affected with SLC12A5-related conditions. Algorithms developed to predict the effect of sequence changes on RNA splicing suggest that this variant may disrupt the consensus splice site. In summary, the currently available evidence indicates that the variant is pathogenic, but additional data are needed to prove that conclusively. Therefore, this variant has been classified as Likely Pathogenic.

Literature cited by the submitters: PubMed 16199547; PubMed 26333769; PubMed 27436767.

NM_020708.5(SLC12A5):c.1337-2A>G

Gene: SLC12A5 (solute carrier family 12 member 5; plus strand). Cytogenetic location: 20q13.12.
Variant type: single nucleotide variant.
Coding change: c.1337-2A>G on transcript NM_020708.5 (MANE Select); the canonical splice acceptor site of the intron before coding-DNA position 1337, A replaced by G.
Molecular consequence: splice acceptor variant.
Genome position (GRCh38, 1-based): chr20:46,043,874, A>G. VCF-style: chr20-46043874-A-G. GRCh37 (hg19) VCF-style: chr20-44672513-A-G.
Other names: c.1406-2A>G (NM_001134771.2).
Identifiers: ClinVar variation 2767441 (VCV002767441.3), dbSNP rs2515641952, ClinGen allele CA409193237.